The following is an entry in ClinVar:

ClinVar aggregate classification (germline): Uncertain significance (1 of 4 stars; one submission).

Conditions:
Ataxia-telangiectasia syndrome (AT). Also called: LOUIS-BAR SYNDROME; Ataxia telangiectasia (A-T); Cerebello-oculocutaneous telangiectasia; Immunodeficiency with ataxia telangiectasia; ATAXIA-TELANGIECTASIA, COMPLEMENTATION GROUP A; ATAXIA-TELANGIECTASIA, FRESNO VARIANT. Identifiers: Orphanet 100, MedGen C0004135, MONDO:0008840, OMIM 208900.

Submission:

Labcorp Genetics (formerly Invitae), Labcorp
Classification: Uncertain significance for Ataxia-telangiectasia syndrome. Last evaluated: 2022-09-22. Review status: criteria provided, single submitter. Criteria: Invitae Variant Classification Sherloc (09022015). Collection method: clinical testing. Allele origin: germline.
Comment: This sequence change replaces lysine, which is basic and polar, with glutamic acid, which is acidic and polar, at codon 477 of the ATM protein (p.Lys477Glu). This variant is not present in population databases (gnomAD no frequency). This variant has not been reported in the literature in individuals affected with ATM-related conditions. ClinVar contains an entry for this variant (Variation ID: 954814). Algorithms developed to predict the effect of missense changes on protein structure and function are either unavailable or do not agree on the potential impact of this missense change (SIFT: "Tolerated"; PolyPhen-2: "Possibly Damaging"; Align-GVGD: "Class C0"). In summary, the available evidence is currently insufficient to determine the role of this variant in disease. Therefore, it has been classified as a Variant of Uncertain Significance.

NM_000051.4(ATM):c.1429A>G (p.Lys477Glu)

Gene: ATM (ATM serine/threonine kinase; plus strand). Cytogenetic location: 11q22.3.
Variant type: single nucleotide variant.
Coding change: c.1429A>G on transcript NM_000051.4 (MANE Select); coding-DNA position 1429, A replaced by G.
Protein change: p.Lys477Glu; replaces lysine 477 with glutamic acid.
Molecular consequence: missense variant.
Genome position (GRCh38, 1-based): chr11:108,250,894, A>G. VCF-style: chr11-108250894-A-G. GRCh37 (hg19) VCF-style: chr11-108121621-A-G.
Other names: c.1429A>G, p.Lys477Glu (NM_001351834.2); short protein forms K477E.
Identifiers: ClinVar variation 954814 (VCV000954814.9), dbSNP rs2080106015, ClinGen allele CA382534033.